The following is an entry in ClinVar:

NM_003365.3(UQCRC1):c.964G>A (p.Val322Met)

Gene: UQCRC1 (ubiquinol-cytochrome c reductase core protein 1; minus strand). Cytogenetic location: 3p21.31.
Variant type: single nucleotide variant.
Coding change: c.964G>A on transcript NM_003365.3 (MANE Select); coding-DNA position 964, G replaced by A.
Protein change: p.Val322Met; replaces valine 322 with methionine.
Molecular consequence: missense variant.
Genome position (GRCh38, 1-based): chr3:48,600,977, C>T on the plus strand (G>A on the coding strand, the complement: UQCRC1 is on the minus strand). VCF-style: chr3-48600977-C-T. GRCh37 (hg19) VCF-style: chr3-48638410-C-T.
Other names: short protein forms V322M.
Identifiers: ClinVar variation 3024091 (VCV003024091.1), dbSNP rs555118861, ClinGen allele CA2381935.

ClinVar aggregate classification (germline): Uncertain significance (1 of 4 stars; one submission).

Conditions:
Parkinsonism with polyneuropathy. Identifiers: Orphanet 611237, MedGen C5543299, MONDO:0036193, OMIM 619279.

Allele frequency attached by ClinVar (database versions not stated): gnomAD 0.00002; TOPMed 0.00002; ExAC 0.00003; 1000 Genomes Project 30x 0.00016; 1000 Genomes Project 0.00020.
gnomAD v4.1: 31 of 1,603,304 alleles (0.0019%); highest among the groups gnomAD compares: East Asian, 0.018%; no homozygotes.

Submission:

Neuberg Centre For Genomic Medicine, NCGM
Classification: Uncertain significance for Parkinsonism with polyneuropathy. Review status: criteria provided, single submitter. Criteria: ACMG Guidelines, 2015. Collection method: clinical testing. Allele origin: germline. Inheritance: Autosomal dominant inheritance. Affected: yes. Observed: 1 heterozygote.
Comment: The missense variant c.964G>A (p.Val322Met) in the UQCRC1 gene has not been reported previously as a pathogenic variant nor as a benign variant, to our knowledge. This variant is reported with the allele frequency (0.002%) in the gnomAD Exomes and novel (not in any individuals) in 1000 Genomes. The amino acid Valine at position 322 is changed to a Methionine changing protein sequence and it might alter its composition and physico-chemical properties. The amino acid change p.Val322Met in UQCRC1 is predicted as conserved by PhyloP across 100 vertebrates. For these reasons, this variant has been classified as Uncertain Significance